The following is an entry in ClinVar:

ClinVar aggregate classification (germline): Uncertain significance (1 of 4 stars; one submission).

Conditions:
Microcephaly, normal intelligence and immunodeficiency (NBS). Also called: BERLIN BREAKAGE SYNDROME; Nijmegen breakage syndrome; Microcephaly with normal intelligence immunodeficiency and lymphoreticular malignancies; Nonsyndromal microcephaly autosomal recessive with normal intelligence; Seemanova syndrome 2; IMMUNODEFICIENCY, MICROCEPHALY, AND CHROMOSOMAL INSTABILITY. Identifiers: Orphanet 647, MedGen C0398791, MONDO:0009623, OMIM 251260.

Submission:

Labcorp Genetics (formerly Invitae), Labcorp
Classification: Uncertain significance for Microcephaly, normal intelligence and immunodeficiency. Last evaluated: 2025-04-02. Review status: criteria provided, single submitter. Criteria: Invitae Variant Classification Sherloc (09022015). Collection method: clinical testing. Allele origin: germline.
Comment: This variant, c.77_79del, results in the deletion of 1 amino acid(s) of the NBN protein (p.Val26del), but otherwise preserves the integrity of the reading frame. This variant is not present in population databases (gnomAD no frequency). This variant has not been reported in the literature in individuals affected with NBN-related conditions. Experimental studies and prediction algorithms are not available or were not evaluated, and the functional significance of this variant is currently unknown. In summary, the available evidence is currently insufficient to determine the role of this variant in disease. Therefore, it has been classified as a Variant of Uncertain Significance.

NM_002485.5(NBN):c.74TTG[1] (p.Val26del)

Gene: NBN (nibrin; minus strand). Cytogenetic location: 8q21.3.
Variant type: Microsatellite.
Coding change: c.74TTG[1] on transcript NM_002485.5 (MANE Select); one copy of the 3-base unit TTG starting at c.74; the reference has two copies in a row; one copy, 3 bases deleted.
Protein change: p.Val26del; deletes valine 26.
Molecular consequence: inframe deletion. On other transcripts: 5 prime UTR variant (1).
Genome position (GRCh38, 1-based): chr8:89,982,814-89,982,816, CAA deleted on the plus strand (TTG on the coding strand, the reverse complement: NBN is on the minus strand); deleting any 3 consecutive bases within chr8:89,982,814-89,982,820 gives the same sequence; the position shown is the placement nearest the transcript's 3' end. VCF-style (leftmost placement, unchanged base first): chr8-89982813-CCAA-C. GRCh37 (hg19) VCF-style: chr8-90995041-CCAA-C.
Other names: c.-223TTG[1] (NM_001024688.3); short protein forms V26del.
Identifiers: ClinVar variation 1486997 (VCV001486997.8), dbSNP rs2129925669, ClinGen allele CA2580617191.